The following is an entry in ClinVar:

NM_001267550.2(TTN):c.99256A>T (p.Arg33086Ter)

Genes: TTN-AS1 (TTN antisense RNA 1; plus strand), TTN (titin; minus strand). Cytogenetic location: 2q31.2.
Variant type: single nucleotide variant.
Coding change: c.99256A>T on transcript NM_001267550.2 (MANE Select); coding-DNA position 99256, A replaced by T.
Protein change: p.Arg33086Ter; replaces arginine 33086 with a stop codon.
Molecular consequence: nonsense.
Genome position (GRCh38, 1-based): chr2:178,538,573, T>A on the plus strand (A>T on the coding strand, the complement: TTN is on the minus strand). VCF-style: chr2-178538573-T-A. GRCh37 (hg19) VCF-style: chr2-179403300-T-A.
Other names: c.94333A>T, p.Arg31445Ter (NM_001256850.1); c.72061A>T, p.Arg24021Ter (NM_003319.4); c.91552A>T, p.Arg30518Ter (NM_133378.4); c.72436A>T, p.Arg24146Ter (NM_133432.3); c.72637A>T, p.Arg24213Ter (NM_133437.4); short protein forms R30518*, R24146*, R24213*, R24021*, R31445*, R33086*.
Identifiers: ClinVar variation 2949090 (VCV002949090.3), dbSNP rs2468727653, ClinGen allele CA349430611.

ClinVar aggregate classification (germline): Likely pathogenic (1 of 4 stars; one submission).

Conditions:
Dilated cardiomyopathy 1G (CMD1G). Identifiers: Orphanet 154, MedGen C1858763, MONDO:0011400, OMIM 604145.
Autosomal recessive limb-girdle muscular dystrophy type 2J (LGMDR10). Also called: Limb-girdle muscular dystrophy, type 2J; MUSCULAR DYSTROPHY, LIMB-GIRDLE, AUTOSOMAL RECESSIVE 10. Identifiers: Orphanet 140922, MedGen C1837342, MONDO:0012127, OMIM 608807.

Submission:

Labcorp Genetics (formerly Invitae), Labcorp
Classification: Likely pathogenic for Dilated cardiomyopathy 1G; Autosomal recessive limb-girdle muscular dystrophy type 2J. Last evaluated: 2023-06-21. Review status: criteria provided, single submitter. Criteria: Invitae Variant Classification Sherloc (09022015). Collection method: clinical testing. Allele origin: germline.
Comment: In summary, the currently available evidence indicates that the variant is pathogenic, but additional data are needed to prove that conclusively. Therefore, this variant has been classified as Likely Pathogenic. This variant is located in the A band of TTN (PMID: 25589632). Truncating variants in this region are significantly overrepresented in patients affected with dilated cardiomyopathy (PMID: 25589632). Truncating variants in this region have also been reported in individuals affected with autosomal recessive centronuclear myopathy (PMID: 23975875). This premature translational stop signal has been observed in individual(s) with non-ischemic cardiomyopathy (Invitae). This variant is not present in population databases (gnomAD no frequency). This sequence change creates a premature translational stop signal (p.Arg33086*) in the TTN gene. While this is not anticipated to result in nonsense mediated decay, it is expected to create a truncated TTN protein.

Literature cited by the submitters: PubMed 25589632; PubMed 23975875.